The following is an entry in ClinVar:

NM_145167.3(PIGM):c.1150A>G (p.Asn384Asp)

Gene: PIGM (phosphatidylinositol glycan anchor biosynthesis class M; minus strand). Cytogenetic location: 1q23.2.
Variant type: single nucleotide variant.
Coding change: c.1150A>G on transcript NM_145167.3 (MANE Select); coding-DNA position 1150, A replaced by G.
Protein change: p.Asn384Asp; replaces asparagine 384 with aspartic acid.
Molecular consequence: missense variant.
Genome position (GRCh38, 1-based): chr1:160,030,590, T>C on the plus strand (A>G on the coding strand, the complement: PIGM is on the minus strand). VCF-style: chr1-160030590-T-C. GRCh37 (hg19) VCF-style: chr1-160000380-T-C.
Other names: p.Asn384Asp; short protein forms N384D.
Identifiers: ClinVar variation 1166403 (VCV001166403.15), dbSNP rs61747491, ClinGen allele CA1192926.
Genomic context (GRCh38, chr1:160,030,590, plus strand): 5'-GGATGGAACAATTGATAAGAAGAAAGAACAAACCAGCTAACCAAATAAACAGAAAGGTGT[T>C]CTTTCCTTGAAACTCTAGAACATAGGCAGGAGCCAGCCACATGGCCTGCCCTATAAACCA-3'
Protein context (NP_660150.1, residues 374-394): PAYVLEFQGK[Asn384Asp]TFLFIWLAGL

ClinVar aggregate classification (germline): Benign. Review status: criteria provided, multiple submitters, no conflicts (2 of 4 stars). 5 submissions from 5 submitters: Benign (4). 1 of the submissions does not count toward it. Last evaluated 2026-02-02.

Conditions:
PIGM-related disorder. Also called: PIGM-related condition.
Hypercoagulability syndrome due to glycosylphosphatidylinositol deficiency (GPIBD1). Also called: GLYCOSYLPHOSPHATIDYLINOSITOL BIOSYNTHESIS DEFECT 1. Identifiers: Orphanet 83639, MedGen C5201145, MONDO:0012465, OMIM 610293.

Allele frequency attached by ClinVar (database versions not stated): gnomAD exomes 0.00781 and 0.01621; ExAC 0.01788; gnomAD 0.04059 and 0.04277; TOPMed 0.04622; ESP Exome Variant Server 0.04782; 1000 Genomes Project 0.04852; 1000 Genomes Project 30x 0.05091.

Submissions (5):

Labcorp Genetics (formerly Invitae), Labcorp
Classification: Benign for Hypercoagulability syndrome due to glycosylphosphatidylinositol deficiency. Last evaluated: 2026-02-02. Review status: criteria provided, single submitter. Criteria: Invitae Variant Classification Sherloc (09022015). Collection method: clinical testing. Allele origin: germline.

Mayo Clinic Laboratories, Mayo Clinic
Classification: Benign. Last evaluated: 2023-04-29. Review status: criteria provided, single submitter. Criteria: ACMG Guidelines, 2015. Collection method: clinical testing. Allele origin: germline. Observed: 12 variant alleles.

GeneDx
Classification: Benign. Last evaluated: 2020-02-12. Review status: criteria provided, single submitter. Criteria: GeneDx Variant Classification Process June 2021. Collection method: clinical testing. Allele origin: germline. Affected: yes.

Breakthrough Genomics
Classification: Benign. Review status: criteria provided, single submitter. Criteria: ACMG Guidelines, 2015. Collection method: not provided. Allele origin: germline. Inheritance: Autosomal recessive inheritance. Affected: yes.

PreventionGenetics, part of Exact Sciences
Classification: Benign for PIGM-related condition. Last evaluated: 2019-05-10. Review status: no assertion criteria provided. Collection method: clinical testing. Allele origin: germline. Not counted in ClinVar's aggregate classification.
Comment: This variant is classified as benign based on ACMG/AMP sequence variant interpretation guidelines (Richards et al. 2015 PMID: 25741868, with internal and published modifications).